The following is an entry in ClinVar:

NM_001297.5(CNGB1):c.2225del (p.Leu742fs)

Gene: CNGB1 (cyclic nucleotide gated channel subunit beta 1; minus strand). Cytogenetic location: 16q21.
Variant type: Deletion.
Coding change: c.2225del on transcript NM_001297.5 (MANE Select); coding-DNA position 2225, one base deleted (T; older notation c.2225delT).
Protein change: p.Leu742fs; shifts the reading frame from leucine 742.
Molecular consequence: frameshift variant.
Genome position (GRCh38, 1-based): chr16:57,915,328, A deleted on the plus strand (T on the coding strand, the reverse complement: CNGB1 is on the minus strand). VCF-style (leftmost placement, unchanged base first): chr16-57915327-CA-C. GRCh37 (hg19) VCF-style: chr16-57949231-CA-C.
Other names: c.2225delT (NM_001297.5); c.2207del, p.Leu736fs (NM_001286130.2); short protein forms L736fs, L742fs.
Identifiers: ClinVar variation 1994664 (VCV001994664.5), dbSNP rs2544630794, ClinGen allele CA2580091764.

ClinVar aggregate classification (germline): Pathogenic/Likely pathogenic. Review status: criteria provided, multiple submitters, no conflicts (2 of 4 stars). 2 submissions from 2 submitters: Pathogenic (1); Likely pathogenic (1). Last evaluated 2025-12-02.

Conditions:
Retinal dystrophy. Also called: Inherited retinal dystrophy. Identifiers: Orphanet 71862, MedGen C0854723, MeSH D058499, MONDO:0019118, HP:0000556.

Allele frequency attached by ClinVar (database versions not stated): gnomAD exomes below 0.00001.

Submissions (2):

Labcorp Genetics (formerly Invitae), Labcorp
Classification: Pathogenic. Last evaluated: 2025-12-02. Review status: criteria provided, single submitter. Criteria: Invitae Variant Classification Sherloc (09022015). Collection method: clinical testing. Allele origin: germline.
Comment: This sequence change creates a premature translational stop signal (p.Leu742Argfs*12) in the CNGB1 gene. It is expected to result in an absent or disrupted protein product. Loss-of-function variants in CNGB1 are known to be pathogenic (PMID: 15557452, 24043777). This variant is not present in population databases (gnomAD no frequency). This variant has not been reported in the literature in individuals affected with CNGB1-related conditions. ClinVar contains an entry for this variant (Variation ID: 1994664). For these reasons, this variant has been classified as Pathogenic.

Dept Of Ophthalmology, Nagoya University
Classification: Likely pathogenic for Retinal dystrophy. Last evaluated: 2023-10-01. Review status: criteria provided, single submitter. Criteria: Submitter's publication. Collection method: research. Allele origin: germline. Affected: yes.

Literature cited by the submitters: PubMed 15557452 (cited by Labcorp Genetics (formerly Invitae), Labcorp); PubMed 24043777 (cited by Labcorp Genetics (formerly Invitae), Labcorp).